The following is an entry in ClinVar:

NM_001267550.2(TTN):c.92236_92237del (p.Asp30746fs)

Genes: TTN-AS1 (TTN antisense RNA 1; plus strand), TTN (titin; minus strand). Cytogenetic location: 2q31.2.
Variant type: Deletion.
Coding change: c.92236_92237del on transcript NM_001267550.2 (MANE Select); coding-DNA positions 92236 to 92237, 2 bases deleted (GA; older notation c.92236_92237delGA).
Protein change: p.Asp30746fs; shifts the reading frame from aspartic acid 30746.
Molecular consequence: frameshift variant.
Genome position (GRCh38, 1-based): chr2:178,549,389-178,549,390, TC deleted on the plus strand (GA on the coding strand, the reverse complement: TTN is on the minus strand); deleting any 2 consecutive bases within chr2:178,549,389-178,549,391 gives the same sequence; the c. name uses the placement nearest the transcript's 3' end. VCF-style (leftmost placement, unchanged base first): chr2-178549388-ATC-A. GRCh37 (hg19) VCF-style: chr2-179414115-ATC-A.
Other names: c.87313_87314del, p.Asp29105fs (NM_001256850.1); c.65041_65042del, p.Asp21681fs (NM_003319.4); c.84532_84533del, p.Asp28178fs (NM_133378.4); c.65416_65417del, p.Asp21806fs (NM_133432.3); c.65617_65618del, p.Asp21873fs (NM_133437.4); short protein forms D21681fs, D21806fs, D21873fs, D28178fs, D29105fs, D30746fs.
Identifiers: ClinVar variation 1066110 (VCV001066110.12), dbSNP rs2154148134, ClinGen allele CA2499215311.
Genomic context (GRCh38, chr2:178,549,388, plus strand): 5'-CCATCTTGTGCTTTTCTTTTCTCTTCTTTCAAGGATATACTGTTGAATTTCACTGCCACC[ATC>A]TGATTCTGGCCTTGCCCATGTCAGGGTAATGCTGTTGCCTGTTATGTTGCTAGGTTCTGG-3'

ClinVar aggregate classification (germline): Likely pathogenic. Review status: criteria provided, multiple submitters, no conflicts (2 of 4 stars). 2 submissions from 2 submitters: Likely pathogenic (2). Last evaluated 2022-09-13.

Conditions:
Dilated cardiomyopathy 1G (CMD1G). Identifiers: Orphanet 154, MedGen C1858763, MONDO:0011400, OMIM 604145.
Autosomal recessive limb-girdle muscular dystrophy type 2J (LGMDR10). Also called: Limb-girdle muscular dystrophy, type 2J; MUSCULAR DYSTROPHY, LIMB-GIRDLE, AUTOSOMAL RECESSIVE 10. Identifiers: Orphanet 140922, MedGen C1837342, MONDO:0012127, OMIM 608807.

Submissions (2):

Labcorp Genetics (formerly Invitae), Labcorp
Classification: Likely pathogenic for Dilated cardiomyopathy 1G; Autosomal recessive limb-girdle muscular dystrophy type 2J. Last evaluated: 2022-09-13. Review status: criteria provided, single submitter. Criteria: Invitae Variant Classification Sherloc (09022015). Collection method: clinical testing. Allele origin: germline.
Comment: In summary, the currently available evidence indicates that the variant is pathogenic, but additional data are needed to prove that conclusively. Therefore, this variant has been classified as Likely Pathogenic. This variant is located in the A band of TTN (PMID: 25589632). Truncating variants in this region are significantly overrepresented in patients affected with dilated cardiomyopathy (PMID: 25589632). Truncating variants in this region have also been reported in individuals affected with autosomal recessive centronuclear myopathy (PMID: 23975875). ClinVar contains an entry for this variant (Variation ID: 1066110). This variant has not been reported in the literature in individuals affected with TTN-related conditions. This variant is not present in population databases (gnomAD no frequency). This sequence change creates a premature translational stop signal (p.Asp30746Trpfs*4) in the TTN gene. While this is not anticipated to result in nonsense mediated decay, it is expected to create a truncated TTN protein.

Revvity Omics, Revvity
Classification: Likely pathogenic. Last evaluated: 2019-05-09. Review status: criteria provided, single submitter. Criteria: ACMG Guidelines, 2015. Collection method: clinical testing. Allele origin: germline.

Literature cited by the submitters: PubMed 25589632 (cited by Labcorp Genetics (formerly Invitae), Labcorp); PubMed 23975875 (cited by Labcorp Genetics (formerly Invitae), Labcorp).